The following is an entry in ClinVar:

NM_001195518.2(MICU1):c.788G>A (p.Arg263His)

Gene: MICU1 (mitochondrial calcium uptake 1; minus strand). Cytogenetic location: 10q22.1.
Variant type: single nucleotide variant.
Coding change: c.788G>A on transcript NM_001195518.2 (MANE Select); coding-DNA position 788, G replaced by A.
Protein change: p.Arg263His; replaces arginine 263 with histidine.
Molecular consequence: missense variant.
Genome position (GRCh38, 1-based): chr10:72,475,245, C>T on the plus strand (G>A on the coding strand, the complement: MICU1 is on the minus strand). VCF-style: chr10-72475245-C-T. GRCh37 (hg19) VCF-style: chr10-74235003-C-T.
Other names: c.194G>A, p.Arg65His (NM_001195519.2); c.806G>A, p.Arg269His (NM_001363513.2); c.794G>A, p.Arg265His (NM_006077.4); short protein forms R263H, R269H, R65H, R265H.
Identifiers: ClinVar variation 2046580 (VCV002046580.3), dbSNP rs569186577, ClinGen allele CA5550152.

ClinVar aggregate classification (germline): Uncertain significance (1 of 4 stars; one submission).

Allele frequency attached by ClinVar (database versions not stated): ExAC 0.00002; TOPMed 0.00002; 1000 Genomes Project 0.00020; 1000 Genomes Project 30x 0.00047; gnomAD 0.00003; gnomAD exomes 0.00001.

Submission:

Labcorp Genetics (formerly Invitae), Labcorp
Classification: Uncertain significance. Last evaluated: 2024-02-23. Review status: criteria provided, single submitter. Criteria: Invitae Variant Classification Sherloc (09022015). Collection method: clinical testing. Allele origin: germline.
Comment: This sequence change replaces arginine, which is basic and polar, with histidine, which is basic and polar, at codon 265 of the MICU1 protein (p.Arg265His). This variant is present in population databases (rs569186577, gnomAD 0.009%). This variant has not been reported in the literature in individuals affected with MICU1-related conditions. ClinVar contains an entry for this variant (Variation ID: 2046580). Advanced modeling of protein sequence and biophysical properties (such as structural, functional, and spatial information, amino acid conservation, physicochemical variation, residue mobility, and thermodynamic stability) performed at Invitae indicates that this missense variant is not expected to disrupt MICU1 protein function with a negative predictive value of 80%. In summary, the available evidence is currently insufficient to determine the role of this variant in disease. Therefore, it has been classified as a Variant of Uncertain Significance.